The following is an entry in ClinVar:

NM_000548.5(TSC2):c.734G>A (p.Arg245His)

Gene: TSC2 (TSC complex subunit 2; plus strand). Cytogenetic location: 16p13.3.
Variant type: single nucleotide variant.
Coding change: c.734G>A on transcript NM_000548.5 (MANE Select); coding-DNA position 734, G replaced by A.
Protein change: p.Arg245His; replaces arginine 245 with histidine.
Molecular consequence: missense variant.
Genome position (GRCh38, 1-based): chr16:2,056,729, G>A. VCF-style: chr16-2056729-G-A. GRCh37 (hg19) VCF-style: chr16-2106730-G-A.
Other names: c.734G>A, p.Arg245His (NM_001077183.3, NM_001114382.3, NM_001363528.2 and 3 more transcripts); c.623G>A, p.Arg208His (NM_001318827.2); c.587G>A, p.Arg196His (NM_001318829.2); c.134G>A, p.Arg45His (NM_001318831.2); c.767G>A, p.Arg256His (NM_001318832.2); short protein forms R245H, R208H, R256H, R45H, R196H.
Identifiers: ClinVar variation 65021 (VCV000065021.21), dbSNP rs397515011, ClinGen allele CA022905.

ClinVar aggregate classification (germline): Conflicting classifications of pathogenicity. Review status: criteria provided, conflicting classifications (1 of 4 stars). 11 submissions from 11 submitters: Uncertain significance (1); Benign (2); Likely benign (7). 1 of the submissions does not count toward it. Last evaluated 2026-01-16.

Conditions:
Tuberous sclerosis 2 (TSC2). Identifiers: Orphanet 805, MedGen C1860707, MONDO:0013199, OMIM 613254.
Hereditary cancer-predisposing syndrome. Also called: Tumor predisposition; Hereditary Cancer Syndrome; Neoplastic Syndromes, Hereditary; Hereditary neoplastic syndrome. Identifiers: Orphanet 140162, MedGen C0027672, MeSH D009386, MONDO:0015356.
Tuberous sclerosis syndrome (TSC). Also called: Tuberous Sclerosis Complex; Tuberous sclerosis. Identifiers: Orphanet 805, MedGen C0041341, MONDO:0001734.

Allele frequency attached by ClinVar (database versions not stated): ExAC 0.00002; TOPMed 0.00002; gnomAD 0.00003; gnomAD exomes 0.00003.
gnomAD v4.1: 48 of 1,611,728 alleles (0.003%); highest among the groups gnomAD compares: East Asian, 0.013%; no homozygotes.

Submissions (11):

Labcorp Genetics (formerly Invitae), Labcorp
Classification: Benign for Tuberous sclerosis 2. Last evaluated: 2026-01-16. Review status: criteria provided, single submitter. Criteria: Invitae Variant Classification Sherloc (09022015). Collection method: clinical testing. Allele origin: germline.

All of Us Research Program, National Institutes of Health
Classification: Likely benign for Tuberous sclerosis syndrome. Last evaluated: 2024-09-27. Review status: criteria provided, single submitter. Criteria: ACMG Guidelines, 2015. Collection method: clinical testing. Allele origin: germline. Inheritance: Autosomal dominant inheritance. Observed: 13 variant alleles, 13 heterozygotes.
Comment: This study involves interpretation of variants in research participants for the purpose of population health screening. Participant phenotype was not available at the time of variant classification. Additional details can be found in publication PMID: 35346344, PMCID: PMC8962531

Myriad Genetics, Inc.
Classification: Likely benign for Tuberous sclerosis 2. Last evaluated: 2024-08-26. Review status: criteria provided, single submitter. Criteria: Myriad Autosomal Dominant, Autosomal Recessive and X-Linked Classification Criteria (2023). Collection method: clinical testing. Allele origin: unknown.
Comment: This variant is considered likely benign. This variant has been observed at a population frequency that is significantly greater than expected given the associated disease prevalence and penetrance.

Women's Health and Genetics/Laboratory Corporation of America, LabCorp
Classification: Uncertain significance. Last evaluated: 2024-04-02. Review status: criteria provided, single submitter. Criteria: LabCorp Variant Classification Summary - May 2015. Collection method: clinical testing. Allele origin: germline.
Comment: Variant summary: TSC2 c.734G>A (p.Arg245His) results in a non-conservative amino acid change located in the tuberin, N-terminal domain (IPR024584) of the encoded protein sequence. Five of five in-silico tools predict a damaging effect of the variant on protein function. The variant allele was found at a frequency of 3.2e-05 in 249662 control chromosomes, predominantly at a frequency of 0.00016 within the East Asian subpopulation in the gnomAD database. Although this is higher than expected for a pathogenic variant in TSC2, there are less than 10 variant alleles present in this population, indicating it is possible that these occurrences may represent sequencing errors. Therefore, the available data on variant occurrences in the general population are insufficient to allow any conclusion about variant significance. To our knowledge, no occurrence of c.734G>A in individuals affected with Tuberous Sclerosis Complex has been reported. At least one publication reports experimental evidence evaluating an impact on protein function; these results showed no damaging effect of this variant (e.g, Hoogeveen-Westerveld_2013). The following publication has been ascertained in the context of this evaluation (PMID: 22903760). ClinVar contains an entry for this variant (Variation ID: 65021). Based on the evidence outlined above, the variant was classified as uncertain significance.

Color Diagnostics, LLC DBA Color Health
Classification: Likely benign for Tuberous sclerosis syndrome. Last evaluated: 2022-08-10. Review status: criteria provided, single submitter. Criteria: ACMG Guidelines, 2015. Collection method: clinical testing. Allele origin: germline.

Genome-Nilou Lab
Classification: Benign for Tuberous sclerosis 2. Last evaluated: 2021-11-07. Review status: criteria provided, single submitter. Criteria: ACMG Guidelines, 2015. Collection method: clinical testing. Allele origin: germline. Affected: no.

Sema4
Classification: Likely benign for Hereditary cancer-predisposing syndrome. Last evaluated: 2020-09-15. Review status: criteria provided, single submitter. Criteria: Sema4 Curation Guidelines. Collection method: curation. Allele origin: germline.

Ambry Genetics
Classification: Likely benign for Hereditary cancer-predisposing syndrome. Last evaluated: 2018-08-15. Review status: criteria provided, single submitter. Criteria: Ambry Variant Classification Scheme 2023. Collection method: clinical testing. Allele origin: germline.

GeneDx
Classification: Likely benign. Last evaluated: 2016-08-25. Review status: criteria provided, single submitter. Criteria: GeneDx Variant Classification (06012015). Collection method: clinical testing. Allele origin: germline. Affected: yes.
Comment: This variant is considered likely benign or benign based on one or more of the following criteria: it is a conservative change, it occurs at a poorly conserved position in the protein, it is predicted to be benign by multiple in silico algorithms, and/or has population frequency not consistent with disease.

PreventionGenetics, part of Exact Sciences
Classification: Likely benign. Review status: criteria provided, single submitter. Criteria: ACMG Guidelines, 2015. Collection method: clinical testing. Allele origin: germline.

Tuberous sclerosis database (TSC2)
No classification provided. Condition: TSC. Review status: no classification provided. Criteria: Tuberous Sclerosis Database Assertion Criteria 2015. Collection method: curation. Allele origin: germline. Affected: yes. Not counted in ClinVar's aggregate classification.

Literature cited by the submitters: PubMed 22903760 (cited by Women's Health and Genetics/Laboratory Corporation of America, LabCorp and Ambry Genetics).